The following is an entry in ClinVar:

ClinVar aggregate classification (germline): Uncertain significance (1 of 4 stars; one submission).

gnomAD v4.1: 9 of 1,552,858 alleles (0.00058%); highest among the groups gnomAD compares: South Asian, 0.0075%; no homozygotes.

Submission:

Labcorp Genetics (formerly Invitae), Labcorp
Classification: Uncertain significance. Last evaluated: 2024-10-15. Review status: criteria provided, single submitter. Criteria: Invitae Variant Classification Sherloc (09022015). Collection method: clinical testing. Allele origin: germline.
Comment: This sequence change falls in intron 8 of the SUCO gene. It does not directly change the encoded amino acid sequence of the SUCO protein. It affects a nucleotide within the consensus splice site. This variant is present in population databases (rs760329779, gnomAD 0.008%). This variant has not been reported in the literature in individuals affected with SUCO-related conditions. ClinVar contains an entry for this variant (Variation ID: 2140027). Variants that disrupt the consensus splice site are a relatively common cause of aberrant splicing (PMID: 17576681, 9536098). Algorithms developed to predict the effect of sequence changes on RNA splicing suggest that this variant is not likely to affect RNA splicing. In summary, the available evidence is currently insufficient to determine the role of this variant in disease. Therefore, it has been classified as a Variant of Uncertain Significance.

Literature cited by the submitters: PubMed 17576681; PubMed 9536098.

NM_014283.5(SUCO):c.981+5G>T

Gene: SUCO (SUN domain containing ossification factor; plus strand). Cytogenetic location: 1q24.3.
Variant type: single nucleotide variant.
Coding change: c.981+5G>T on transcript NM_014283.5 (MANE Select); 5 bases into the intron after coding-DNA position 981, G replaced by T.
Molecular consequence: intron variant.
Genome position (GRCh38, 1-based): chr1:172,570,176, G>T. VCF-style: chr1-172570176-G-T. GRCh37 (hg19) VCF-style: chr1-172539316-G-T.
Other names: c.1455+5G>T (NM_016227.4); c.-549+5G>T (NM_001282751.2); c.870+5G>T (NM_001282750.2).
Identifiers: ClinVar variation 2140027 (VCV002140027.4), dbSNP rs760329779, ClinGen allele CA1246689.